The following is an entry in ClinVar:

ClinVar aggregate classification (germline): Pathogenic (1 of 4 stars; one submission).

Conditions:
Cardiovascular phenotype. Identifiers: MedGen CN230736.

Submission:

Ambry Genetics
Classification: Pathogenic for Cardiovascular phenotype. Last evaluated: 2026-08-10. Review status: criteria provided, single submitter. Criteria: Ambry Variant Classification Scheme 2023. Collection method: clinical testing. Allele origin: germline.
Comment: The c.560delT pathogenic mutation, located in coding exon 5 of the LAMP2 gene, results from a deletion of one nucleotide at nucleotide position 560, causing a translational frameshift with a predicted alternate stop codon (p.F187Sfs*55). This variant is considered to be rare based on population cohorts in the Genome Aggregation Database (gnomAD). This alteration is expected to result in loss of function by premature protein truncation or nonsense-mediated mRNA decay. As such, this alteration is interpreted as a disease-causing mutation.

NM_002294.3(LAMP2):c.560del (p.Phe187fs)

Gene: LAMP2 (lysosome associated membrane protein 2; minus strand). Cytogenetic location: Xq24.
Variant type: Deletion.
Coding change: c.560del on transcript NM_002294.3 (MANE Select); coding-DNA position 560, one base deleted (T; older notation c.560delT).
Protein change: p.Phe187fs; shifts the reading frame from phenylalanine 187.
Molecular consequence: frameshift variant.
Genome position (GRCh38, 1-based): chrX:120,448,022, A deleted on the plus strand (T on the coding strand, the reverse complement: LAMP2 is on the minus strand); the first of 2 consecutive A bases (chrX:120,448,022-120,448,023); deleting either gives the same sequence. VCF-style (leftmost placement, unchanged base first): chrX-120448021-GA-G. GRCh37 (hg19) VCF-style: chrX-119581876-GA-G.
Other names: c.560del, p.Phe187fs (NM_001122606.1, NM_013995.2); c.560delT (NM_002294.2); short protein forms F187fs.
Identifiers: ClinVar variation 5023499 (VCV005023499.1).
Genomic context (GRCh38, chrX:120,448,021, plus strand): 5'-AGATGGCACAGTGGTGTGTATGGTGGGTGCCACTGTTGAAGTTTTGTCTTTATCACACAG[GA>G]ACTCTAAAACAAGCGAAAAGGGACAAAAGAAACCAAAGCGGACATTTTCTTAATTCATAA-3'